The following is an entry in ClinVar:

ClinVar aggregate classification (germline): Likely benign (1 of 4 stars; one submission).

Allele frequency attached by ClinVar (database versions not stated): gnomAD 0.00001.

Submission:

GeneDx
Classification: Likely benign. Last evaluated: 2017-12-28. Review status: criteria provided, single submitter. Criteria: GeneDx Variant Classification (06012015). Collection method: clinical testing. Allele origin: germline. Affected: yes.
Comment: This variant is considered likely benign or benign based on one or more of the following criteria: it is a conservative change, it occurs at a poorly conserved position in the protein, it is predicted to be benign by multiple in silico algorithms, and/or has population frequency not consistent with disease.

NM_005654.6(NR2F1):c.939C>T (p.His313=)

Gene: NR2F1 (nuclear receptor subfamily 2 group F member 1; plus strand). Cytogenetic location: 5q15.
Variant type: single nucleotide variant.
Coding change: c.939C>T on transcript NM_005654.6 (MANE Select); coding-DNA position 939, C replaced by T.
Protein change: p.His313=; no amino-acid change (histidine 313 retained).
Molecular consequence: synonymous variant.
Genome position (GRCh38, 1-based): chr5:93,588,392, C>T. VCF-style: chr5-93588392-C-T. GRCh37 (hg19) VCF-style: chr5-92924098-C-T.
Identifiers: ClinVar variation 514396 (VCV000514396.1), dbSNP rs1018466118, ClinGen allele CA123266530.
Genomic context (GRCh38, chr5:93,588,392, plus strand): 5'-GGCCTTCATGGACCACATCCGCATCTTCCAGGAGCAGGTGGAGAAGCTCAAGGCGCTACA[C>T]GTCGACTCAGCCGAGTACAGCTGCCTCAAAGCCATCGTGCTGTTCACGTCAGGTGAGGCT-3'
Protein context (NP_005645.1, residues 303-323): QEQVEKLKAL[His313=]VDSAEYSCLK